The following is an entry in ClinVar:

NM_020884.7(MYH7B):c.2183G>A (p.Arg728Gln)

Gene: MYH7B (myosin heavy chain 7B; plus strand). Cytogenetic location: 20q11.22.
Variant type: single nucleotide variant.
Coding change: c.2183G>A on transcript NM_020884.7 (MANE Select); coding-DNA position 2183, G replaced by A.
Protein change: p.Arg728Gln; replaces arginine 728 with glutamine.
Molecular consequence: missense variant.
Genome position (GRCh38, 1-based): chr20:34,991,121, G>A. VCF-style: chr20-34991121-G-A. GRCh37 (hg19) VCF-style: chr20-33578924-G-A.
Other names: short protein forms R728Q.
Identifiers: ClinVar variation 1441882 (VCV001441882.8), dbSNP rs769933919, ClinGen allele CA9827256.

ClinVar aggregate classification (germline): Uncertain significance (1 of 4 stars; one submission).

Allele frequency attached by ClinVar (database versions not stated): ExAC 0.00001; gnomAD 0.00001; gnomAD exomes 0.00002.

Submission:

Labcorp Genetics (formerly Invitae), Labcorp
Classification: Uncertain significance. Last evaluated: 2022-08-10. Review status: criteria provided, single submitter. Criteria: Invitae Variant Classification Sherloc (09022015). Collection method: clinical testing. Allele origin: germline.
Comment: In summary, the available evidence is currently insufficient to determine the role of this variant in disease. Therefore, it has been classified as a Variant of Uncertain Significance. Algorithms developed to predict the effect of sequence changes on RNA splicing suggest that this variant may create or strengthen a splice site. Algorithms developed to predict the effect of missense changes on protein structure and function (SIFT, PolyPhen-2, Align-GVGD) all suggest that this variant is likely to be disruptive. ClinVar contains an entry for this variant (Variation ID: 1441882). This variant has not been reported in the literature in individuals affected with MYH7B-related conditions. This variant is present in population databases (rs769933919, gnomAD 0.01%). This sequence change replaces arginine, which is basic and polar, with glutamine, which is neutral and polar, at codon 770 of the MYH7B protein (p.Arg770Gln).